The following is an entry in ClinVar:

NM_000455.5(STK11):c.1293G>C (p.Lys431Asn)

Gene: STK11 (serine/threonine kinase 11; plus strand). Cytogenetic location: 19p13.3.
Variant type: single nucleotide variant.
Coding change: c.1293G>C on transcript NM_000455.5 (MANE Select); coding-DNA position 1293, G replaced by C.
Protein change: p.Lys431Asn; replaces lysine 431 with asparagine.
Molecular consequence: missense variant. On other transcripts: non-coding transcript variant (1).
Genome position (GRCh38, 1-based): chr19:1,226,638, G>C. VCF-style: chr19-1226638-G-C. GRCh37 (hg19) VCF-style: chr19-1226637-G-C.
Other names: short protein forms K431N.
Identifiers: ClinVar variation 3573917 (VCV003573917.1).

ClinVar aggregate classification (germline): Uncertain significance (1 of 4 stars; one submission).

Submission:

GeneDx
Classification: Uncertain significance. Last evaluated: 2024-07-19. Review status: criteria provided, single submitter. Criteria: GeneDx Variant Classification Process June 2021. Collection method: clinical testing. Allele origin: germline. Affected: yes.
Comment: Not observed at significant frequency in large population cohorts (gnomAD); In silico analysis indicates that this missense variant does not alter protein structure/function; Has not been previously published as pathogenic or benign to our knowledge; This variant is associated with the following publications: (PMID: 28900777)